The following is an entry in ClinVar:

ClinVar aggregate classification (germline): Uncertain significance (1 of 4 stars; one submission).

Submission:

GeneDx
Classification: Uncertain significance. Last evaluated: 2026-07-25. Review status: criteria provided, single submitter. Criteria: GeneDx Variant Classification Process June 2021. Collection method: clinical testing. Allele origin: germline.
Comment: Not observed at significant frequency in large population cohorts (gnomAD); In silico analysis supports that this missense variant has a deleterious effect on protein structure/function; Has not been previously published as pathogenic or benign to our knowledge

NM_001128.6(AP1G1):c.1114C>G (p.Leu372Val)

Gene: AP1G1 (adaptor related protein complex 1 subunit gamma 1; minus strand). Cytogenetic location: 16q22.2.
Variant type: single nucleotide variant.
Coding change: c.1114C>G on transcript NM_001128.6 (MANE Select); coding-DNA position 1114, C replaced by G.
Protein change: p.Leu372Val; replaces leucine 372 with valine.
Molecular consequence: missense variant.
Genome position (GRCh38, 1-based): chr16:71,756,134, G>C on the plus strand (C>G on the coding strand, the complement: AP1G1 is on the minus strand). VCF-style: chr16-71756134-G-C. GRCh37 (hg19) VCF-style: chr16-71790037-G-C.
Other names: c.1123C>G, p.Leu375Val (NM_001030007.2); short protein forms L372V, L375V.
Identifiers: ClinVar variation 3767706 (VCV003767706.2).